The following is an entry in ClinVar:

NM_139242.4(MTFMT):c.5G>A (p.Arg2Lys)

Genes: MTFMT (mitochondrial methionyl-tRNA formyltransferase; minus strand), LOC130057309 (ATAC-STARR-seq lymphoblastoid silent region 6550; plus strand). Cytogenetic location: 15q22.31.
Variant type: single nucleotide variant.
Coding change: c.5G>A on transcript NM_139242.4 (MANE Select); coding-DNA position 5, G replaced by A.
Protein change: p.Arg2Lys; replaces arginine 2 with lysine.
Molecular consequence: missense variant.
Genome position (GRCh38, 1-based): chr15:65,029,609, C>T on the plus strand (G>A on the coding strand, the complement: MTFMT is on the minus strand). VCF-style: chr15-65029609-C-T. GRCh37 (hg19) VCF-style: chr15-65321947-C-T.
Other names: c.5G>A (NM_139242.3); short protein forms R2K.
Identifiers: ClinVar variation 1447001 (VCV001447001.8), dbSNP rs752072244, ClinGen allele CA7613448.

ClinVar aggregate classification (germline): Uncertain significance. Review status: criteria provided, multiple submitters, no conflicts (2 of 4 stars). 2 submissions from 2 submitters: Uncertain significance (2). Last evaluated 2023-12-08.

Conditions:
Inborn genetic diseases. Identifiers: MedGen C0950123, MeSH D030342.

Allele frequency attached by ClinVar (database versions not stated): gnomAD 0.00002; gnomAD exomes 0.00002; TOPMed 0.00011.
gnomAD v4.1: 25 of 1,402,394 alleles (0.0018%); highest among the groups gnomAD compares: Admixed American, 0.0092%; no homozygotes.

Submissions (2):

Ambry Genetics
Classification: Uncertain significance for Inborn genetic diseases. Last evaluated: 2023-12-08. Review status: criteria provided, single submitter. Criteria: Ambry Variant Classification Scheme 2023. Collection method: clinical testing. Allele origin: germline.

Labcorp Genetics (formerly Invitae), Labcorp
Classification: Uncertain significance. Last evaluated: 2022-07-06. Review status: criteria provided, single submitter. Criteria: Invitae Variant Classification Sherloc (09022015). Collection method: clinical testing. Allele origin: germline.
Comment: Algorithms developed to predict the effect of missense changes on protein structure and function output the following: SIFT: "Tolerated"; PolyPhen-2: "Benign"; Align-GVGD: "Class C0". The lysine amino acid residue is found in multiple mammalian species, which suggests that this missense change does not adversely affect protein function. In summary, the available evidence is currently insufficient to determine the role of this variant in disease. Therefore, it has been classified as a Variant of Uncertain Significance. This sequence change replaces arginine, which is basic and polar, with lysine, which is basic and polar, at codon 2 of the MTFMT protein (p.Arg2Lys). This variant is present in population databases (rs752072244, gnomAD 0.007%). This variant has not been reported in the literature in individuals affected with MTFMT-related conditions. ClinVar contains an entry for this variant (Variation ID: 1447001).